The following is an entry in ClinVar:

NM_000918.4(P4HB):c.1198T>C (p.Cys400Arg)

Gene: P4HB (prolyl 4-hydroxylase subunit beta; minus strand). Cytogenetic location: 17q25.3.
Variant type: single nucleotide variant.
Coding change: c.1198T>C on transcript NM_000918.4 (MANE Select); coding-DNA position 1198, T replaced by C.
Protein change: p.Cys400Arg; replaces cysteine 400 with arginine.
Molecular consequence: missense variant.
Genome position (GRCh38, 1-based): chr17:81,845,722, A>G on the plus strand (T>C on the coding strand, the complement: P4HB is on the minus strand). VCF-style: chr17-81845722-A-G. GRCh37 (hg19) VCF-style: chr17-79803598-A-G.
Other names: short protein forms C400R.
Identifiers: ClinVar variation 2169599 (VCV002169599.5), dbSNP rs2509949884, ClinGen allele CA401506944.
Genomic context (GRCh38, chr17:81,845,722, plus strand): 5'-TGTTCTCATGGTCCTTGTACGTCTCTCCCAGTTTATCCCAAATGGGAGCCAACTGTTTGC[A>G]GTGACCACACCATGGGGCATCTGAAAAGAAAGCAGTTCTAGGGTGTGTCCTGGACACAAA-3'
Protein context (NP_000909.2, residues 390-410): VEFYAPWCGH[Cys400Arg]KQLAPIWDKL

ClinVar aggregate classification (germline): Likely pathogenic. Review status: criteria provided, multiple submitters, no conflicts (2 of 4 stars). 2 submissions from 2 submitters: Likely pathogenic (2). Last evaluated 2022-11-29.

Conditions:
P4HB-related disorders.

Submissions (2):

Labcorp Genetics (formerly Invitae), Labcorp
Classification: Likely pathogenic. Last evaluated: 2022-11-29. Review status: criteria provided, single submitter. Criteria: Invitae Variant Classification Sherloc (09022015). Collection method: clinical testing. Allele origin: germline.
Comment: In summary, the currently available evidence indicates that the variant is pathogenic, but additional data are needed to prove that conclusively. Therefore, this variant has been classified as Likely Pathogenic. This variant disrupts the p.Cys400 amino acid residue in P4HB. Other variant(s) that disrupt this residue have been determined to be pathogenic (PMID: 31130284). This suggests that this residue is clinically significant, and that variants that disrupt this residue are likely to be disease-causing. Advanced modeling of protein sequence and biophysical properties (such as structural, functional, and spatial information, amino acid conservation, physicochemical variation, residue mobility, and thermodynamic stability) performed at Invitae indicates that this missense variant is expected to disrupt P4HB protein function. This missense change has been observed in individuals with clinical features of Cole-Carpenter syndrome and/or osteogenesis imperfecta (PMID: 30913006; Invitae). This variant is not present in population databases (gnomAD no frequency). This sequence change replaces cysteine, which is neutral and slightly polar, with arginine, which is basic and polar, at codon 400 of the P4HB protein (p.Cys400Arg).

Blueprint Genetics
Classification: Likely pathogenic for P4HB-related disorders. Last evaluated: 2021-12-07. Review status: criteria provided, single submitter. Criteria: ACMG Guidelines, 2015. Collection method: clinical testing. Allele origin: germline. Affected: yes. Observed: 1 variant allele.

Literature cited by the submitters: PubMed 31130284 (cited by Labcorp Genetics (formerly Invitae), Labcorp); PubMed 30913006 (cited by Labcorp Genetics (formerly Invitae), Labcorp).